The following is an entry in ClinVar:

ClinVar aggregate classification (germline): Likely benign (1 of 4 stars; one submission).

Conditions:
Leigh syndrome (NULS). Also called: Leigh's necrotizing encephalopathy; Leigh's disease; Leigh's syndrome; LEIGH SYNDROME, NUCLEAR; Leigh Syndrome (mtDNA deletion); Leigh Disease. Identifiers: Orphanet 506, MedGen C2931891, MONDO:0009723, OMIM 256000.

Submission:

Wong Mito Lab, Molecular and Human Genetics, Baylor College of Medicine
Classification: Likely benign for Leigh syndrome. Last evaluated: 2019-10-17. Review status: criteria provided, single submitter. Criteria: Modified ACMG Guidelines (Unpublished). Collection method: clinical testing. Allele origin: germline.
Comment: The NC_012920.1:m.15776A>G (YP_003024038.1:p.Ser344Gly) variant in MTCYB gene is interpretated to be a Likely Benign variant based on the modified ACMG guidelines (unpublished). This variant meets the following evidence codes: BS1, BP4

NC_012920.1(MT-CYB):m.15776A>G

Gene: MT-CYB (mitochondrially encoded cytochrome b; plus strand).
Variant type: single nucleotide variant.
Genome position: chrM-15776-A-G.
Identifiers: ClinVar variation 693949 (VCV000693949.1), dbSNP rs1603225477, ClinGen allele CA913174808.